The following is an entry in ClinVar:

NM_001909.5(CTSD):c.229-25C>T

Gene: CTSD (cathepsin D; minus strand). Cytogenetic location: 11p15.5.
Variant type: single nucleotide variant.
Coding change: c.229-25C>T on transcript NM_001909.5 (MANE Select); 25 bases into the intron before coding-DNA position 229, C replaced by T.
Molecular consequence: intron variant.
Genome position (GRCh38, 1-based): chr11:1,759,664, G>A on the plus strand (C>T on the coding strand, the complement: CTSD is on the minus strand). VCF-style: chr11-1759664-G-A. GRCh37 (hg19) VCF-style: chr11-1780894-G-A.
Identifiers: ClinVar variation 673757 (VCV000673757.1), dbSNP rs112184520, ClinGen allele CA5814251.
Genomic context (GRCh38, chr11:1,759,664, plus strand): 5'-GGGCGTCCCGATGCCAATCTCCCCGTAGTACTGGGCCTGGCAGGGGACAGGGTCCGTCAG[G>A]GATGGGAGAGGGGGCCCCATCTCCCCACTGGGCCTCAGAAGGCCCGGCTGTCCCCAGAGC-3'

ClinVar aggregate classification (germline): Likely benign (1 of 4 stars; one submission).

Allele frequency attached by ClinVar (database versions not stated): gnomAD exomes 0.00061 and 0.00150; ExAC 0.00179; 1000 Genomes Project 0.00479; 1000 Genomes Project 30x 0.00531; gnomAD 0.00564 and 0.00603; TOPMed 0.00615; ESP Exome Variant Server 0.00646.
gnomAD v4.1: 1,790 of 1,602,338 alleles (0.11%); highest among the groups gnomAD compares: African/African-American, 1.9%; 19 homozygotes.

Submission:

GeneDx
Classification: Likely benign. Last evaluated: 2018-06-16. Review status: criteria provided, single submitter. Criteria: GeneDx Variant Classification (06012015). Collection method: clinical testing. Allele origin: germline. Affected: yes.
Comment: This variant is considered likely benign or benign based on one or more of the following criteria: it is a conservative change, it occurs at a poorly conserved position in the protein, it is predicted to be benign by multiple in silico algorithms, and/or has population frequency not consistent with disease.